The following is an entry in ClinVar:

NM_002485.5(NBN):c.2221GAT[1] (p.Asp742del)

Gene: NBN (nibrin; minus strand). Cytogenetic location: 8q21.3.
Variant type: Microsatellite.
Coding change: c.2221GAT[1] on transcript NM_002485.5 (MANE Select); one copy of the 3-base unit GAT starting at c.2221; the reference has two copies in a row; one copy, 3 bases deleted.
Protein change: p.Asp742del; deletes aspartic acid 742.
Molecular consequence: inframe deletion.
Genome position (GRCh38, 1-based): chr8:89,937,034-89,937,036, ATC deleted on the plus strand (GAT on the coding strand, the reverse complement: NBN is on the minus strand); deleting any 3 consecutive bases within chr8:89,937,034-89,937,040 gives the same sequence; the position shown is the placement nearest the transcript's 3' end. VCF-style (leftmost placement, unchanged base first): chr8-89937033-GATC-G. GRCh37 (hg19) VCF-style: chr8-90949261-GATC-G.
Other names: c.1975GAT[1], p.Asp660del (NM_001024688.3); short protein forms D660del, D742del.
Identifiers: ClinVar variation 1485442 (VCV001485442.8), dbSNP rs1421967400, ClinGen allele CA856701011.

ClinVar aggregate classification (germline): Uncertain significance (1 of 4 stars; one submission).

Conditions:
Microcephaly, normal intelligence and immunodeficiency (NBS). Also called: BERLIN BREAKAGE SYNDROME; Nijmegen breakage syndrome; Microcephaly with normal intelligence immunodeficiency and lymphoreticular malignancies; Nonsyndromal microcephaly autosomal recessive with normal intelligence; Seemanova syndrome 2; IMMUNODEFICIENCY, MICROCEPHALY, AND CHROMOSOMAL INSTABILITY. Identifiers: Orphanet 647, MedGen C0398791, MONDO:0009623, OMIM 251260.

Submission:

Labcorp Genetics (formerly Invitae), Labcorp
Classification: Uncertain significance for Microcephaly, normal intelligence and immunodeficiency. Last evaluated: 2021-04-23. Review status: criteria provided, single submitter. Criteria: Invitae Variant Classification Sherloc (09022015). Collection method: clinical testing. Allele origin: germline.
Comment: This variant has not been reported in the literature in individuals with NBN-related conditions. This variant, c.2224_2226del, results in the deletion of 1 amino acid(s) of the NBN protein (p.Asp742del), but otherwise preserves the integrity of the reading frame. This variant is not present in population databases (ExAC no frequency). Experimental studies and prediction algorithms are not available or were not evaluated, and the functional significance of this variant is currently unknown. In summary, the available evidence is currently insufficient to determine the role of this variant in disease. Therefore, it has been classified as a Variant of Uncertain Significance.